The following is an entry in ClinVar:

NM_001913.5(CUX1):c.1585A>T (p.Thr529Ser)

Gene: CUX1 (cut like homeobox 1; plus strand). Cytogenetic location: 7q22.1.
Variant type: single nucleotide variant.
Coding change: c.1585A>T on transcript NM_001913.5 (MANE Plus Clinical); coding-DNA position 1585, A replaced by T.
Protein change: p.Thr529Ser; replaces threonine 529 with serine.
Molecular consequence: missense variant.
Genome position (GRCh38, 1-based): chr7:102,277,970, A>T. VCF-style: chr7-102277970-A-T. GRCh37 (hg19) VCF-style: chr7-101921241-A-T.
Other names: c.1537A>T, p.Thr513Ser (NM_001202544.3); c.1447A>T, p.Thr483Ser (NM_001202545.3); c.1468A>T, p.Thr490Ser (NM_001202546.3); c.1579A>T, p.Thr527Ser (NM_181500.4); short protein forms T483S, T490S, T513S, T527S, T529S.
Identifiers: ClinVar variation 3905786 (VCV003905786.10).
Genomic context (GRCh38, chr7:102,277,970, plus strand): 5'-GCCTCTCCCCCACCCCTTTCCTTGCCCCTCCCCCCCCAGGAGAACCGCCTGGCCCAGCAC[A>T]CCCTCCAGGCCCTGCAGAGTGAGCTGGACAGCCTGCGCGCCGACAACATCAAGCTCTTTG-3'
Protein context (NP_001904.2, residues 519-539): LEAENRLAQH[Thr529Ser]LQALQSELDS

ClinVar aggregate classification (germline): Uncertain significance (1 of 4 stars; one submission).

Submission:

CeGaT Center for Human Genetics Tuebingen
Classification: Uncertain significance. Last evaluated: 2025-05-01. Review status: criteria provided, single submitter. Criteria: CeGaT Center For Human Genetics Tuebingen Variant Classification Criteria Version 2. Collection method: clinical testing. Allele origin: germline. Affected: yes. Observed: 1 variant allele.
Comment: CUX1: PM2, BP4